The following is an entry in ClinVar:

NM_006096.4(NDRG1):c.337C>T (p.Pro113Ser)

Gene: NDRG1 (N-myc downstream regulated 1; minus strand). Cytogenetic location: 8q24.22.
Variant type: single nucleotide variant.
Coding change: c.337C>T on transcript NM_006096.4 (MANE Select); coding-DNA position 337, C replaced by T.
Protein change: p.Pro113Ser; replaces proline 113 with serine.
Molecular consequence: missense variant.
Genome position (GRCh38, 1-based): chr8:133,259,220, G>A on the plus strand (C>T on the coding strand, the complement: NDRG1 is on the minus strand). VCF-style: chr8-133259220-G-A. GRCh37 (hg19) VCF-style: chr8-134271463-G-A.
Other names: c.337C>T, p.Pro113Ser (NM_001135242.2, NM_001374844.1, NM_001374845.1 and 1 more transcripts); c.139C>T, p.Pro47Ser (NM_001258432.2, NM_001374847.1); c.94C>T, p.Pro32Ser (NM_001258433.2); short protein forms P32S, P113S, P47S.
Identifiers: ClinVar variation 967884 (VCV000967884.6), dbSNP rs750194735, ClinGen allele CA4886791.

ClinVar aggregate classification (germline): Uncertain significance (1 of 4 stars; one submission).

Conditions:
Charcot-Marie-Tooth disease type 4. Also called: Charcot-Marie-Tooth disease, type IV; Charcot-Marie-Tooth, Type 4. Identifiers: Orphanet 64749, MedGen C4082197, MONDO:0018995.

Allele frequency attached by ClinVar (database versions not stated): gnomAD exomes 0.00001; ExAC 0.00002; gnomAD 0.00001; TOPMed 0.00001.

Submission:

Labcorp Genetics (formerly Invitae), Labcorp
Classification: Uncertain significance for Charcot-Marie-Tooth disease type 4. Last evaluated: 2021-08-27. Review status: criteria provided, single submitter. Criteria: Invitae Variant Classification Sherloc (09022015). Collection method: clinical testing. Allele origin: germline.
Comment: This sequence change replaces proline with serine at codon 113 of the NDRG1 protein (p.Pro113Ser). The proline residue is highly conserved and there is a moderate physicochemical difference between proline and serine. This variant is present in population databases (rs750194735, ExAC 0.003%). This variant has not been reported in the literature in individuals affected with NDRG1-related conditions. Algorithms developed to predict the effect of missense changes on protein structure and function are either unavailable or do not agree on the potential impact of this missense change (SIFT: "Deleterious"; PolyPhen-2: "Probably Damaging"; Align-GVGD: "Class C0"). In summary, the available evidence is currently insufficient to determine the role of this variant in disease. Therefore, it has been classified as a Variant of Uncertain Significance.